The following is an entry in ClinVar:

NM_000360.4(TH):c.629C>G (p.Ala210Gly)

Gene: TH (tyrosine hydroxylase; minus strand). Cytogenetic location: 11p15.5.
Variant type: single nucleotide variant.
Coding change: c.629C>G on transcript NM_000360.4 (MANE Select); coding-DNA position 629, C replaced by G.
Protein change: p.Ala210Gly; replaces alanine 210 with glycine.
Molecular consequence: missense variant.
Genome position (GRCh38, 1-based): chr11:2,167,881, G>C on the plus strand (C>G on the coding strand, the complement: TH is on the minus strand). VCF-style: chr11-2167881-G-C. GRCh37 (hg19) VCF-style: chr11-2189111-G-C.
Other names: c.722C>G, p.Ala241Gly (NM_199292.3); c.710C>G, p.Ala237Gly (NM_199293.3); short protein forms A210G, A237G, A241G.
Identifiers: ClinVar variation 3907127 (VCV003907127.1).

ClinVar aggregate classification (germline): Uncertain significance (1 of 4 stars; one submission).

Submission:

Women's Health and Genetics/Laboratory Corporation of America, LabCorp
Classification: Uncertain significance. Last evaluated: 2025-06-13. Review status: criteria provided, single submitter. Criteria: LabCorp Variant Classification Summary - May 2015. Collection method: clinical testing. Allele origin: germline.
Comment: Variant summary: TH c.722C>G (p.Ala241Gly) results in a non-conservative amino acid change in the encoded protein sequence. Algorithms developed to predict the effect of missense changes on protein structure and function all suggest that this variant is likely to be disruptive. The frequency data for this variant in gnomAD is considered unreliable, as metrics indicate poor data quality at this position. c.722C>G has been observed in at least one compound heterozygous individual affected with TH deficiency (e.g. Hou_2019). These data do not allow any conclusion about variant significance. A different variant affecting the same codon has been classified as likely pathogenic/pathogenic by our lab (c.721G>A, p.Ala241Thr), supporting the critical relevance of codon 241 to TH protein function. To our knowledge, no experimental evidence demonstrating an impact on protein function has been reported. The following publication has been ascertained in the context of this evaluation (PMID: 31419477). No submitters have cited clinical-significance assessments for this variant to ClinVar. Based on the evidence outlined above, the variant was classified as VUS-possibly pathogenic.

Literature cited by the submitters: PubMed 31419477.